The following is an entry in ClinVar:

NM_001289125.3(IFNAR2):c.840+1G>T

Genes: IFNAR2 (interferon alpha and beta receptor subunit 2; plus strand), IFNAR2-IL10RB (IFNAR2-IL10RB readthrough; plus strand). Cytogenetic location: 21q22.11.
Variant type: single nucleotide variant.
Coding change: c.840+1G>T on transcript NM_001289125.3 (MANE Select); the canonical splice donor site of the intron after coding-DNA position 840, G replaced by T.
Molecular consequence: splice donor variant. On other transcripts: intron variant (4).
Genome position (GRCh38, 1-based): chr21:33,260,728, G>T. VCF-style: chr21-33260728-G-T. GRCh37 (hg19) VCF-style: chr21-34633033-G-T.
Other names: c.710-7666G>T (NM_001414505.1); c.840+1G>T (NM_000874.5, NM_207584.3, NM_207585.3 and 1 more transcripts); c.710-2065G>T (NM_001289128.2, NM_001289126.2); c.710-1833G>T (NM_001385054.1).
Identifiers: ClinVar variation 1435309 (VCV001435309.7), dbSNP rs746775306, ClinGen allele CA10005798.

ClinVar aggregate classification (germline): Uncertain significance. Review status: criteria provided, multiple submitters, no conflicts (2 of 4 stars). 2 submissions from 2 submitters: Uncertain significance (2). Last evaluated 2024-11-05.

Conditions:
Immunodeficiency 45 (IMD45). Identifiers: MedGen C4225252, MONDO:0014727, OMIM 616669.

Allele frequency attached by ClinVar (database versions not stated): ExAC 0.00001; gnomAD 0.00001; gnomAD exomes 0.00001; TOPMed 0.00002.
gnomAD v4.1: 6 of 1,486,378 alleles (0.0004%); highest among the groups gnomAD compares: Admixed American, 0.0076%; no homozygotes.

Submissions (2):

Labcorp Genetics (formerly Invitae), Labcorp
Classification: Uncertain significance. Last evaluated: 2024-11-05. Review status: criteria provided, single submitter. Criteria: Invitae Variant Classification Sherloc (09022015). Collection method: clinical testing. Allele origin: germline.
Comment: This sequence change affects a donor splice site in intron 8 of the IFNAR2 gene. While this variant is not anticipated to result in nonsense mediated decay, it likely alters RNA splicing and results in a disrupted protein product. This variant is present in population databases (rs746775306, gnomAD 0.001%). This variant has not been reported in the literature in individuals affected with IFNAR2-related conditions. ClinVar contains an entry for this variant (Variation ID: 1435309). Variants that disrupt the consensus splice site are a relatively common cause of aberrant splicing (PMID: 17576681, 9536098). Algorithms developed to predict the effect of sequence changes on RNA splicing suggest that this variant may disrupt the consensus splice site. In summary, the available evidence is currently insufficient to determine the role of this variant in disease. Therefore, it has been classified as a Variant of Uncertain Significance.

Laboratorio de Genetica e Diagnostico Molecular, Hospital Israelita Albert Einstein
Classification: Uncertain significance for Immunodeficiency 45. Last evaluated: 2022-02-17. Review status: criteria provided, single submitter. Criteria: ACMG Guidelines, 2015. Collection method: clinical testing. Allele origin: germline. Affected: yes.
Comment: ACMG classification criteria: PVS1 moderate, PM2 moderate

Literature cited by the submitters: PubMed 17576681 (cited by Labcorp Genetics (formerly Invitae), Labcorp); PubMed 9536098 (cited by Labcorp Genetics (formerly Invitae), Labcorp).